The following is an entry in ClinVar:

ClinVar aggregate classification (germline): Uncertain significance (1 of 4 stars; one submission).

Conditions:
Xanthinuria type II. Also called: Xanthine dehydrogenase and aldehyde oxidase combined deficiency of; XDH and AOX dual deficiency. Identifiers: Orphanet 3467, Orphanet 93602, MedGen C1863688, MONDO:0011346, OMIM 603592.

Submission:

Labcorp Genetics (formerly Invitae), Labcorp
Classification: Uncertain significance for Xanthinuria type II. Last evaluated: 2022-05-27. Review status: criteria provided, single submitter. Criteria: Invitae Variant Classification Sherloc (09022015). Collection method: clinical testing. Allele origin: germline.
Comment: Algorithms developed to predict the effect of missense changes on protein structure and function are either unavailable or do not agree on the potential impact of this missense change (SIFT: "Deleterious"; PolyPhen-2: "Probably Damaging"; Align-GVGD: "Class C0"). In summary, the available evidence is currently insufficient to determine the role of this variant in disease. Therefore, it has been classified as a Variant of Uncertain Significance. This sequence change replaces glycine, which is neutral and non-polar, with arginine, which is basic and polar, at codon 806 of the MOCOS protein (p.Gly806Arg). This variant is not present in population databases (gnomAD no frequency). This variant has not been reported in the literature in individuals affected with MOCOS-related conditions.

NM_017947.4(MOCOS):c.2416G>A (p.Gly806Arg)

Gene: MOCOS (molybdenum cofactor sulfurase; plus strand). Cytogenetic location: 18q12.2.
Variant type: single nucleotide variant.
Coding change: c.2416G>A on transcript NM_017947.4 (MANE Select); coding-DNA position 2416, G replaced by A.
Protein change: p.Gly806Arg; replaces glycine 806 with arginine.
Molecular consequence: missense variant.
Genome position (GRCh38, 1-based): chr18:36,266,755, G>A. VCF-style: chr18-36266755-G-A. GRCh37 (hg19) VCF-style: chr18-33846718-G-A.
Other names: short protein forms G806R.
Identifiers: ClinVar variation 2089055 (VCV002089055.4), dbSNP rs2510987887, ClinGen allele CA402291227.
Genomic context (GRCh38, chr18:36,266,755, plus strand): 5'-GCAAGGCTCTGGTCACTTTTGTGGCAACGCTGTGTTTTCCTTCTCACCTGCCAGGTTTTG[G>A]GGCCTTGTCACAGATGCCAGATGATTTGCATCGACCAGCAAACTGGGCAACGAAACCAGC-3'
Protein context (NP_060417.4, residues 796-816): SIGSLRFQVL[Gly806Arg]PCHRCQMICI